The following is an entry in ClinVar:

NM_006506.5(RASA2):c.1700G>T (p.Cys567Phe)

Gene: RASA2 (RAS p21 protein activator 2; plus strand). Cytogenetic location: 3q23.
Variant type: single nucleotide variant.
Coding change: c.1700G>T on transcript NM_006506.5 (MANE Select); coding-DNA position 1700, G replaced by T.
Protein change: p.Cys567Phe; replaces cysteine 567 with phenylalanine.
Molecular consequence: missense variant.
Genome position (GRCh38, 1-based): chr3:141,581,125, G>T. VCF-style: chr3-141581125-G-T. GRCh37 (hg19) VCF-style: chr3-141299967-G-T.
Other names: c.1700G>T, p.Cys567Phe (NM_001303245.3, NM_001303246.3); short protein forms C567F.
Identifiers: ClinVar variation 3151693 (VCV003151693.2), dbSNP rs749257096, ClinGen allele CA2645597.

ClinVar aggregate classification (germline): Uncertain significance (1 of 4 stars; one submission).

Allele frequency attached by ClinVar (database versions not stated): ExAC 0.00009; TOPMed below 0.00001.
gnomAD v4.1: 13 of 1,538,432 alleles (0.00085%); highest among the groups gnomAD compares: Non-Finnish European, 0.0011%; no homozygotes.

Submission:

Ambry Genetics
Classification: Uncertain significance. Last evaluated: 2026-04-12. Review status: criteria provided, single submitter. Criteria: Ambry Variant Classification Scheme 2023. Collection method: clinical testing. Allele origin: germline.
Comment: The p.C567F variant (also known as c.1700G>T), located in coding exon 17 of the RASA2 gene, results from a G to T substitution at nucleotide position 1700. The cysteine at codon 567 is replaced by phenylalanine, an amino acid with highly dissimilar properties. This amino acid position is conserved. In addition, this alteration is predicted to be tolerated by in silico analysis. Based on the available evidence, the clinical significance of this variant remains unclear.